The following is an entry in ClinVar:

NM_024700.4(SNIP1):c.95A>C (p.Glu32Ala)

Gene: SNIP1 (Smad nuclear interacting protein 1; minus strand). Cytogenetic location: 1p34.3.
Variant type: single nucleotide variant.
Coding change: c.95A>C on transcript NM_024700.4 (MANE Select); coding-DNA position 95, A replaced by C.
Protein change: p.Glu32Ala; replaces glutamic acid 32 with alanine.
Molecular consequence: missense variant.
Genome position (GRCh38, 1-based): chr1:37,554,135, T>G on the plus strand (A>C on the coding strand, the complement: SNIP1 is on the minus strand). VCF-style: chr1-37554135-T-G. GRCh37 (hg19) VCF-style: chr1-38019736-T-G.
Other names: c.95A>C (NM_024700.2); short protein forms E32A.
Identifiers: ClinVar variation 1449411 (VCV001449411.10), dbSNP rs765246787, ClinGen allele CA771434.
Genomic context (GRCh38, chr1:37,554,135, plus strand): 5'-CTACCACCGGAGTGGTCCGGACGGCGGTGGGCGGGAGGTGCGACTTCTGGGCTGAGACGC[T>G]CCTGCTTCACCACCACCCCCGCCGGCAGCACCACGTCCCCGTCCCGGTGTCTTCGCCGGC-3'
Protein context (NP_078976.2, residues 22-42): VLPAGVVVKQ[Glu32Ala]RLSPEVAPPA

ClinVar aggregate classification (germline): Uncertain significance. Review status: criteria provided, multiple submitters, no conflicts (2 of 4 stars). 2 submissions from 2 submitters: Uncertain significance (2). Last evaluated 2025-11-05.

Allele frequency attached by ClinVar (database versions not stated): gnomAD 0.00001; gnomAD exomes 0.00001 and 0.00002; TOPMed 0.00001; ExAC 0.00002.
gnomAD v4.1: 27 of 1,612,814 alleles (0.0017%); highest among the groups gnomAD compares: African/African-American, 0.004%; no homozygotes.

Submissions (2):

Ambry Genetics
Classification: Uncertain significance. Last evaluated: 2025-11-05. Review status: criteria provided, single submitter. Criteria: Ambry Variant Classification Scheme 2023. Collection method: clinical testing. Allele origin: germline.

Labcorp Genetics (formerly Invitae), Labcorp
Classification: Uncertain significance. Last evaluated: 2024-03-14. Review status: criteria provided, single submitter. Criteria: Invitae Variant Classification Sherloc (09022015). Collection method: clinical testing. Allele origin: germline.
Comment: This sequence change replaces glutamic acid, which is acidic and polar, with alanine, which is neutral and non-polar, at codon 32 of the SNIP1 protein (p.Glu32Ala). This variant is present in population databases (rs765246787, gnomAD 0.009%). This variant has not been reported in the literature in individuals affected with SNIP1-related conditions. ClinVar contains an entry for this variant (Variation ID: 1449411). An algorithm developed to predict the effect of missense changes on protein structure and function (PolyPhen-2) suggests that this variant is likely to be tolerated. In summary, the available evidence is currently insufficient to determine the role of this variant in disease. Therefore, it has been classified as a Variant of Uncertain Significance.